The following is an entry in ClinVar:

NM_007294.4(BRCA1):c.4161_4164del (p.Gln1388fs)

Gene: BRCA1 (BRCA1 DNA repair associated; minus strand). Cytogenetic location: 17q21.31.
Variant type: Deletion.
Coding change: c.4161_4164del on transcript NM_007294.4 (MANE Select); coding-DNA positions 4161 to 4164, 4 bases deleted (TCAG; older notation c.4161_4164delTCAG).
Protein change: p.Gln1388fs; shifts the reading frame from glutamine 1388.
Molecular consequence: frameshift variant. On other transcripts: non-coding transcript variant (1).
Genome position (GRCh38, 1-based): chr17:43,090,965-43,090,968, CTGA deleted on the plus strand (TCAG on the coding strand, the reverse complement: BRCA1 is on the minus strand). VCF-style (leftmost placement, unchanged base first): chr17-43090964-TCTGA-T. GRCh37 (hg19) VCF-style: chr17-41242981-TCTGA-T.
Other names: c.711_714delTCAG, p.Gln238Valfs (NM_001408458.1, NM_001408459.1, NM_001408460.1 and 11 more transcripts); c.708_711delTCAG, p.Gln237Valfs (NM_001408463.1, NM_001408464.1, NM_001408468.1 and 3 more transcripts); c.852_855delTCAG, p.Gln285Valfs (NM_001408472.1, NM_001407970.1, NM_001407971.1 and 17 more transcripts); c.849_852delTCAG, p.Gln284Valfs (NM_001408473.1, NM_001407972.1, NM_001407984.1 and 13 more transcripts); c.651_654delTCAG, p.Gln218Valfs (NM_001408474.1, NM_001408476.1); c.648_651delTCAG, p.Gln217Valfs (NM_001408475.1); c.729_732delTCAG, p.Gln244Valfs (NM_001408427.1, NM_001408428.1, NM_001408429.1 and 12 more transcripts); c.732_735delTCAG, p.Gln245Valfs (NM_001408431.1, NM_001408421.1, NM_001408424.1); and 44 more; short protein forms Q1341fs, Q285fs, Q1388fs.
Identifiers: ClinVar variation 654657 (VCV000654657.8), dbSNP rs1597858204, ClinGen allele CA915950075.

ClinVar aggregate classification (germline): Pathogenic (1 of 4 stars; one submission).

Conditions:
Hereditary breast ovarian cancer syndrome. Also called: Hereditary breast and ovarian cancer; Hereditary breast and/or ovarian cancer syndrome; Breast and ovarian cancer; BRCA1- and BRCA2-Associated Hereditary Breast and Ovarian Cancer; Hereditary breast and ovarian cancer syndrome; Hereditary breast and ovarian cancer syndrome (HBOC). Identifiers: Orphanet 145, MedGen C0677776, MeSH D061325, MONDO:0003582. Disease mechanism: loss of function.

Submission:

Labcorp Genetics (formerly Invitae), Labcorp
Classification: Pathogenic for Hereditary breast ovarian cancer syndrome. Last evaluated: 2024-10-08. Review status: criteria provided, single submitter. Criteria: Invitae Variant Classification Sherloc (09022015). Collection method: clinical testing. Allele origin: germline.
Comment: This sequence change creates a premature translational stop signal (p.Gln1388Valfs*4) in the BRCA1 gene. It is expected to result in an absent or disrupted protein product. Loss-of-function variants in BRCA1 are known to be pathogenic (PMID: 20104584). This variant is not present in population databases (gnomAD no frequency). This variant has not been reported in the literature in individuals affected with BRCA1-related conditions. ClinVar contains an entry for this variant (Variation ID: 654657). For these reasons, this variant has been classified as Pathogenic.

Literature cited by the submitters: PubMed 20104584.